The following is an entry in ClinVar:

ClinVar aggregate classification (germline): Uncertain significance. Review status: criteria provided, multiple submitters, no conflicts (2 of 4 stars). 3 submissions from 3 submitters: Uncertain significance (3). Last evaluated 2025-08-15.

Conditions:
Inborn genetic diseases. Identifiers: MedGen C0950123, MeSH D030342.
Kufor-Rakeb syndrome (KRS). Also called: PARKINSON DISEASE 9, AUTOSOMAL RECESSIVE, JUVENILE-ONSET. Identifiers: Orphanet 306674, Orphanet 314632, MedGen C1847640, MONDO:0011706, OMIM 606693.
Autosomal recessive spastic paraplegia type 78. Identifiers: Orphanet 513436, MedGen C5567893, MONDO:0014975, OMIM 617225.

Allele frequency attached by ClinVar (database versions not stated): gnomAD 0.00001; gnomAD exomes 0.00001 and 0.00005; TOPMed 0.00001.
gnomAD v4.1: 69 of 1,613,714 alleles (0.0043%); highest among the groups gnomAD compares: Non-Finnish European, 0.0058%; no homozygotes.

Submissions (3):

Ambry Genetics
Classification: Uncertain significance for Inborn genetic diseases. Last evaluated: 2025-08-15. Review status: criteria provided, single submitter. Criteria: Ambry Variant Classification Scheme 2023. Collection method: clinical testing. Allele origin: germline.

Fulgent Genetics
Classification: Uncertain significance for Kufor-Rakeb syndrome; Autosomal recessive spastic paraplegia type 78. Last evaluated: 2021-10-04. Review status: criteria provided, single submitter. Criteria: ACMG Guidelines, 2015. Collection method: clinical testing. Allele origin: unknown.

Labcorp Genetics (formerly Invitae), Labcorp
Classification: Uncertain significance for Kufor-Rakeb syndrome; Autosomal recessive spastic paraplegia type 78. Last evaluated: 2021-08-31. Review status: criteria provided, single submitter. Criteria: Invitae Variant Classification Sherloc (09022015). Collection method: clinical testing. Allele origin: germline.
Comment: This sequence change replaces threonine with isoleucine at codon 368 of the ATP13A2 protein (p.Thr368Ile). The threonine residue is weakly conserved and there is a moderate physicochemical difference between threonine and isoleucine. This variant is not present in population databases (ExAC no frequency). This variant has not been reported in the literature in individuals affected with ATP13A2-related conditions. Algorithms developed to predict the effect of missense changes on protein structure and function (SIFT, PolyPhen-2, Align-GVGD) all suggest that this variant is likely to be tolerated. In summary, the available evidence is currently insufficient to determine the role of this variant in disease. Therefore, it has been classified as a Variant of Uncertain Significance.

NM_022089.4(ATP13A2):c.1103C>T (p.Thr368Ile)

Gene: ATP13A2 (ATPase cation transporting 13A2; minus strand). Cytogenetic location: 1p36.13.
Variant type: single nucleotide variant.
Coding change: c.1103C>T on transcript NM_022089.4 (MANE Select); coding-DNA position 1103, C replaced by T.
Protein change: p.Thr368Ile; replaces threonine 368 with isoleucine.
Molecular consequence: missense variant.
Genome position (GRCh38, 1-based): chr1:16,997,112, G>A on the plus strand (C>T on the coding strand, the complement: ATP13A2 is on the minus strand). VCF-style: chr1-16997112-G-A. GRCh37 (hg19) VCF-style: chr1-17323607-G-A.
Other names: c.1088C>T, p.Thr363Ile (NM_001141973.3, NM_001141974.3); c.1103C>T (NM_022089.2); short protein forms T363I, T368I.
Identifiers: ClinVar variation 641968 (VCV000641968.5), dbSNP rs1033088325, ClinGen allele CA18638411.